The following is an entry in ClinVar:

ClinVar aggregate classification (germline): Uncertain significance (1 of 4 stars; one submission).

Submission:

GeneDx
Classification: Uncertain significance. Last evaluated: 2025-07-30. Review status: criteria provided, single submitter. Criteria: GeneDx Variant Classification Process June 2021. Collection method: clinical testing. Allele origin: germline. Affected: yes.
Comment: Not observed at significant frequency in large population cohorts (gnomAD); In silico analysis supports that this missense variant has a deleterious effect on protein structure/function; Has not been previously published as pathogenic or benign to our knowledge

NM_017433.5(MYO3A):c.2329G>T (p.Asp777Tyr)

Gene: MYO3A (myosin IIIA; plus strand). Cytogenetic location: 10p12.1.
Variant type: single nucleotide variant.
Coding change: c.2329G>T on transcript NM_017433.5 (MANE Select); coding-DNA position 2329, G replaced by T.
Protein change: p.Asp777Tyr; replaces aspartic acid 777 with tyrosine.
Molecular consequence: missense variant.
Genome position (GRCh38, 1-based): chr10:26,143,514, G>T. VCF-style: chr10-26143514-G-T. GRCh37 (hg19) VCF-style: chr10-26432443-G-T.
Other names: short protein forms D777Y.
Identifiers: ClinVar variation 4689796 (VCV004689796.1).